The following is an entry in ClinVar:

NM_001111.5(ADAR):c.1163A>G (p.Glu388Gly)

Gene: ADAR (adenosine deaminase RNA specific; minus strand). Cytogenetic location: 1q21.3.
Variant type: single nucleotide variant.
Coding change: c.1163A>G on transcript NM_001111.5 (MANE Select); coding-DNA position 1163, A replaced by G.
Protein change: p.Glu388Gly; replaces glutamic acid 388 with glycine.
Molecular consequence: missense variant.
Genome position (GRCh38, 1-based): chr1:154,601,479, T>C on the plus strand (A>G on the coding strand, the complement: ADAR is on the minus strand). VCF-style: chr1-154601479-T-C. GRCh37 (hg19) VCF-style: chr1-154573955-T-C.
Other names: c.278A>G, p.Glu93Gly (NM_001025107.3, NM_001193495.2, NM_001365046.1 and 3 more transcripts); c.1190A>G, p.Glu397Gly (NM_001365045.1); c.1163A>G, p.Glu388Gly (NM_015840.4, NM_015841.4); short protein forms E388G, E93G, E397G.
Identifiers: ClinVar variation 2942101 (VCV002942101.3), dbSNP rs2526652195, ClinGen allele CA342598314.
Genomic context (GRCh38, chr1:154,601,479, plus strand): 5'-TTTTCTGTGGTTACCATGTTATTTGAGGCATTTGATGTGGGTATATTACAGGTGAGGAAC[T>C]CTGCGTTTCTTTTGGTCTCAGGGATTGCAGCTGGAGCGGTTTCAGGAACACTGTTCGTAT-3'
Protein context (NP_001102.3, residues 378-398): AAIPETKRNA[Glu388Gly]FLTCNIPTSN

ClinVar aggregate classification (germline): Uncertain significance (1 of 4 stars; one submission).

Conditions:
Symmetrical dyschromatosis of extremities (DSH). Also called: RETICULATE ACROPIGMENTATION OF DOHI; SYMMETRIC DYSCHROMATOSIS OF THE EXTREMITIES; Dyschromatosis symmetrica hereditaria; DYSCHROMATOSIS SYMMETRICA HEREDITARIA 1. Identifiers: Orphanet 41, MedGen C0406775, MONDO:0007483, OMIM 127400.
Aicardi-Goutieres syndrome 6 (AGS6). Identifiers: Orphanet 51, MedGen C3539013, MONDO:0014007, OMIM 615010.

Submission:

Labcorp Genetics (formerly Invitae), Labcorp
Classification: Uncertain significance for Aicardi-Goutieres syndrome 6; Symmetrical dyschromatosis of extremities. Last evaluated: 2022-12-06. Review status: criteria provided, single submitter. Criteria: Invitae Variant Classification Sherloc (09022015). Collection method: clinical testing. Allele origin: germline.
Comment: This sequence change replaces glutamic acid, which is acidic and polar, with glycine, which is neutral and non-polar, at codon 388 of the ADAR protein (p.Glu388Gly). This variant is not present in population databases (gnomAD no frequency). In summary, the available evidence is currently insufficient to determine the role of this variant in disease. Therefore, it has been classified as a Variant of Uncertain Significance. Advanced modeling of protein sequence and biophysical properties (such as structural, functional, and spatial information, amino acid conservation, physicochemical variation, residue mobility, and thermodynamic stability) performed at Invitae indicates that this missense variant is not expected to disrupt ADAR protein function. This variant has not been reported in the literature in individuals affected with ADAR-related conditions.